The following is an entry in ClinVar:

ClinVar aggregate classification (germline): Pathogenic (1 of 4 stars; one submission).

Submission:

Clinical Genomics Laboratory, Laboratory for Precision Diagnostics, University of Washington
Classification: Pathogenic. Last evaluated: 2024-09-25. Review status: criteria provided, single submitter. Criteria: ACMG/ClinGen CNV Guidelines, 2019. Collection method: clinical testing. Allele origin: de novo. Affected: yes. Observed: 1 variant allele.
Comment: This interstitial deletion is approximately 27.2 Mb in size and contains part or all of 62 protein-coding genes, including ZIC2. PMID: 27192891 reported a deletion of 13q13.1-q34 in a child with short stature, microcephaly, distinctive facial features, genital differences, epilepsy, holoprosencephaly, Dandy-Walker malformation, and Hirschsprung's disease.

Literature cited by the submitters: PubMed 27192891.

GRCh38/hg38 13q31.1-34(chr13:83649717-110834525)x1

Genes: ABCC4 (ATP binding cassette subfamily C member 4 (PEL blood group); minus strand), ABHD13 (abhydrolase domain containing 13; plus strand), ARGLU1 (arginine and glutamate rich 1; minus strand), ARGLU1-DT (ARGLU1 divergent transcript; plus strand), BIVM (basic, immunoglobulin-like variable motif containing; plus strand) and 478 more. Cytogenetic location: 13q31.1-34.
Variant type: copy number loss.
Change: copy number 1 (one copy instead of two) of chr13:83,649,717-110,834,525 (27.18 Mb, GRCh38 coordinates, 1-based), cytogenetic band 13q31.1-34.
Identifiers: ClinVar variation 4974702 (VCV004974702.1).